The following is an entry in ClinVar:

ClinVar aggregate classification (germline): Uncertain significance. Review status: criteria provided, multiple submitters, no conflicts (2 of 4 stars). 2 submissions from 2 submitters: Uncertain significance (2). Last evaluated 2022-03-14.

Conditions:
Hereditary cancer-predisposing syndrome. Also called: Tumor predisposition; Neoplastic Syndromes, Hereditary; Hereditary neoplastic syndrome; Hereditary Cancer Syndrome. Identifiers: Orphanet 140162, MedGen C0027672, MeSH D009386, MONDO:0015356.

Submissions (2):

Ambry Genetics
Classification: Uncertain significance for Hereditary cancer-predisposing syndrome. Last evaluated: 2022-03-14. Review status: criteria provided, single submitter. Criteria: Ambry Variant Classification Scheme 2023. Collection method: clinical testing. Allele origin: germline.
Comment: The p.N1681D variant (also known as c.5041A>G), located in coding exon 38 of the POLE gene, results from an A to G substitution at nucleotide position 5041. The asparagine at codon 1681 is replaced by aspartic acid, an amino acid with highly similar properties. This amino acid position is conserved. In addition, this alteration is predicted to be tolerated by in silico analysis. Since supporting evidence is limited at this time, the clinical significance of this alteration remains unclear.

Labcorp Genetics (formerly Invitae), Labcorp
Classification: Uncertain significance. Last evaluated: 2020-08-24. Review status: criteria provided, single submitter. Criteria: Invitae Variant Classification Sherloc (09022015). Collection method: clinical testing. Allele origin: germline.
Comment: This variant has not been reported in the literature in individuals with POLE-related conditions. Algorithms developed to predict the effect of missense changes on protein structure and function are either unavailable or do not agree on the potential impact of this missense change (SIFT: "Tolerated"; PolyPhen-2: "Possibly Damaging"; Align-GVGD: "Class C0"). In summary, the available evidence is currently insufficient to determine the role of this variant in disease. Therefore, it has been classified as a Variant of Uncertain Significance. This variant is not present in population databases (ExAC no frequency). This sequence change replaces asparagine with aspartic acid at codon 1681 of the POLE protein (p.Asn1681Asp). The asparagine residue is highly conserved and there is a small physicochemical difference between asparagine and aspartic acid.

NM_006231.4(POLE):c.5041A>G (p.Asn1681Asp)

Gene: POLE (DNA polymerase epsilon, catalytic subunit; minus strand). Cytogenetic location: 12q24.33.
Variant type: single nucleotide variant.
Coding change: c.5041A>G on transcript NM_006231.4 (MANE Select); coding-DNA position 5041, A replaced by G.
Protein change: p.Asn1681Asp; replaces asparagine 1681 with aspartic acid.
Molecular consequence: missense variant.
Genome position (GRCh38, 1-based): chr12:132,642,309, T>C on the plus strand (A>G on the coding strand, the complement: POLE is on the minus strand). VCF-style: chr12-132642309-T-C. GRCh37 (hg19) VCF-style: chr12-133218895-T-C.
Other names: short protein forms N1681D.
Identifiers: ClinVar variation 1020049 (VCV001020049.11), dbSNP rs2042163898, ClinGen allele CA387377217.